The following is an entry in ClinVar:

NM_001039591.3(USP9X):c.2816A>G (p.Glu939Gly)

Gene: USP9X (ubiquitin specific peptidase 9 X-linked; plus strand). Cytogenetic location: Xp11.4.
Variant type: single nucleotide variant.
Coding change: c.2816A>G on transcript NM_001039591.3 (MANE Select); coding-DNA position 2816, A replaced by G.
Protein change: p.Glu939Gly; replaces glutamic acid 939 with glycine.
Molecular consequence: missense variant.
Genome position (GRCh38, 1-based): chrX:41,170,174, A>G. VCF-style: chrX-41170174-A-G. GRCh37 (hg19) VCF-style: chrX-41029427-A-G.
Other names: c.2816A>G (NM_001039590.2); c.2816A>G, p.Glu939Gly (NM_001039590.3); c.2831A>G, p.Glu944Gly (NM_001410748.1, NM_001410749.1); short protein forms E939G, E944G.
Identifiers: ClinVar variation 3004095 (VCV003004095.4), dbSNP rs2519225334, ClinGen allele CA412758445.

ClinVar aggregate classification (germline): Uncertain significance. Review status: criteria provided, multiple submitters, no conflicts (2 of 4 stars). 2 submissions from 2 submitters: Uncertain significance (2). Last evaluated 2026-06-10.

Conditions:
Inborn genetic diseases. Identifiers: MedGen C0950123, MeSH D030342.

Submissions (2):

Ambry Genetics
Classification: Uncertain significance for Inborn genetic diseases. Last evaluated: 2026-06-10. Review status: criteria provided, single submitter. Criteria: Ambry Variant Classification Scheme 2023. Collection method: clinical testing. Allele origin: germline.

Labcorp Genetics (formerly Invitae), Labcorp
Classification: Uncertain significance. Last evaluated: 2023-10-05. Review status: criteria provided, single submitter. Criteria: Invitae Variant Classification Sherloc (09022015). Collection method: clinical testing. Allele origin: germline.
Comment: This sequence change replaces glutamic acid, which is acidic and polar, with glycine, which is neutral and non-polar, at codon 939 of the USP9X protein (p.Glu939Gly). This variant is not present in population databases (gnomAD no frequency). This variant has not been reported in the literature in individuals affected with USP9X-related conditions. An algorithm developed to predict the effect of missense changes on protein structure and function (PolyPhen-2) suggests that this variant is likely to be disruptive. Algorithms developed to predict the effect of sequence changes on RNA splicing suggest that this variant may create or strengthen a splice site. In summary, the available evidence is currently insufficient to determine the role of this variant in disease. Therefore, it has been classified as a Variant of Uncertain Significance.